The following is an entry in ClinVar:

ClinVar aggregate classification (germline): Uncertain significance (1 of 4 stars; one submission).

Submission:

Labcorp Genetics (formerly Invitae), Labcorp
Classification: Uncertain significance. Last evaluated: 2022-07-30. Review status: criteria provided, single submitter. Criteria: Invitae Variant Classification Sherloc (09022015). Collection method: clinical testing. Allele origin: germline.
Comment: This sequence change replaces methionine, which is neutral and non-polar, with isoleucine, which is neutral and non-polar, at codon 1305 of the POLR1A protein (p.Met1305Ile). This variant is not present in population databases (gnomAD no frequency). This variant has not been reported in the literature in individuals affected with POLR1A-related conditions. Algorithms developed to predict the effect of missense changes on protein structure and function output the following: SIFT: "Not Available"; PolyPhen-2: "Benign"; Align-GVGD: "Not Available". The isoleucine amino acid residue is found in multiple mammalian species, which suggests that this missense change does not adversely affect protein function. In summary, the available evidence is currently insufficient to determine the role of this variant in disease. Therefore, it has been classified as a Variant of Uncertain Significance.

NM_015425.6(POLR1A):c.3915G>A (p.Met1305Ile)

Gene: POLR1A (RNA polymerase I subunit A; minus strand). Cytogenetic location: 2p11.2.
Variant type: single nucleotide variant.
Coding change: c.3915G>A on transcript NM_015425.6 (MANE Select); coding-DNA position 3915, G replaced by A.
Protein change: p.Met1305Ile; replaces methionine 1305 with isoleucine.
Molecular consequence: missense variant.
Genome position (GRCh38, 1-based): chr2:86,038,819, C>T on the plus strand (G>A on the coding strand, the complement: POLR1A is on the minus strand). VCF-style: chr2-86038819-C-T. GRCh37 (hg19) VCF-style: chr2-86265942-C-T.
Other names: short protein forms M1305I.
Identifiers: ClinVar variation 2102110 (VCV002102110.4), dbSNP rs2466330485, ClinGen allele CA347550236.